The following is an entry in ClinVar:

ClinVar aggregate classification (germline): Uncertain significance (1 of 4 stars; one submission).

gnomAD v4.1: 2 of 1,612,470 alleles (0.00012%); highest among the groups gnomAD compares: South Asian, 0.0022%; no homozygotes.

Submission:

Labcorp Genetics (formerly Invitae), Labcorp
Classification: Uncertain significance. Last evaluated: 2022-09-22. Review status: criteria provided, single submitter. Criteria: Invitae Variant Classification Sherloc (09022015). Collection method: clinical testing. Allele origin: germline.
Comment: This sequence change replaces arginine, which is basic and polar, with leucine, which is neutral and non-polar, at codon 650 of the PDE6B protein (p.Arg650Leu). In summary, the available evidence is currently insufficient to determine the role of this variant in disease. Therefore, it has been classified as a Variant of Uncertain Significance. Advanced modeling of protein sequence and biophysical properties (such as structural, functional, and spatial information, amino acid conservation, physicochemical variation, residue mobility, and thermodynamic stability) has been performed at Invitae for this missense variant, however the output from this modeling did not meet the statistical confidence thresholds required to predict the impact of this variant on PDE6B protein function. This variant has not been reported in the literature in individuals affected with PDE6B-related conditions. This variant is not present in population databases (gnomAD no frequency).

NM_000283.4(PDE6B):c.1949G>T (p.Arg650Leu)

Gene: PDE6B (phosphodiesterase 6B; plus strand). Cytogenetic location: 4p16.3.
Variant type: single nucleotide variant.
Coding change: c.1949G>T on transcript NM_000283.4 (MANE Select); coding-DNA position 1949, G replaced by T.
Protein change: p.Arg650Leu; replaces arginine 650 with leucine.
Molecular consequence: missense variant.
Genome position (GRCh38, 1-based): chr4:663,798, G>T. VCF-style: chr4-663798-G-T. GRCh37 (hg19) VCF-style: chr4-657587-G-T.
Other names: c.1949G>T, p.Arg650Leu (NM_001145291.2); c.1112G>T, p.Arg371Leu (NM_001145292.2, NM_001350154.3, NM_001379246.1 and 1 more transcripts); c.794G>T, p.Arg265Leu (NM_001350155.3); short protein forms R265L, R371L, R650L.
Identifiers: ClinVar variation 2122238 (VCV002122238.4), dbSNP rs1182502700, ClinGen allele CA355918256.